The following is an entry in ClinVar:

ClinVar aggregate classification (germline): Uncertain significance (1 of 4 stars; one submission).

gnomAD v4.1: 2 of 1,614,094 alleles (0.00012%); highest among the groups gnomAD compares: Non-Finnish European, 0.00017%; no homozygotes.

Submission:

Mayo Clinic Laboratories, Mayo Clinic
Classification: Uncertain significance. Last evaluated: 2025-09-03. Review status: criteria provided, single submitter. Criteria: ACMG Guidelines, 2015. Collection method: clinical testing. Allele origin: germline. Observed: 1 variant allele.
Comment: PM2_supporting

NM_015378.4(VPS13D):c.8161G>A (p.Asp2721Asn)

Gene: VPS13D (vacuolar protein sorting 13 homolog D; plus strand). Cytogenetic location: 1p36.22.
Variant type: single nucleotide variant.
Coding change: c.8161G>A on transcript NM_015378.4 (MANE Select); coding-DNA position 8161, G replaced by A.
Protein change: p.Asp2721Asn; replaces aspartic acid 2721 with asparagine.
Molecular consequence: missense variant.
Genome position (GRCh38, 1-based): chr1:12,327,818, G>A. VCF-style: chr1-12327818-G-A. GRCh37 (hg19) VCF-style: chr1-12387875-G-A.
Other names: p.Asp2721Asn; c.8161G>A, p.Asp2721Asn (NM_018156.4); short protein forms D2721N.
Identifiers: ClinVar variation 4540717 (VCV004540717.1).